The following is an entry in ClinVar:

NM_001122772.3(AGAP2):c.1746G>T (p.Leu582=)

Gene: AGAP2 (ArfGAP with GTPase domain, ankyrin repeat and PH domain 2; minus strand). Cytogenetic location: 12q14.1.
Variant type: single nucleotide variant.
Coding change: c.1746G>T on transcript NM_001122772.3 (MANE Select); coding-DNA position 1746, G replaced by T.
Protein change: p.Leu582=; no amino-acid change (leucine 582 retained).
Molecular consequence: synonymous variant.
Genome position (GRCh38, 1-based): chr12:57,732,451, C>A on the plus strand (G>T on the coding strand, the complement: AGAP2 is on the minus strand). VCF-style: chr12-57732451-C-A. GRCh37 (hg19) VCF-style: chr12-58126234-C-A.
Other names: c.738G>T, p.Leu246= (NM_014770.4).
Identifiers: ClinVar variation 3060425 (VCV003060425.2), dbSNP rs17852479, ClinGen allele CA6657018.

ClinVar aggregate classification (germline): Benign (0 of 4 stars; one submission).

Conditions:
AGAP2-related disorder. Also called: AGAP2-related condition.

Allele frequency attached by ClinVar (database versions not stated): 1000 Genomes Project 30x 0.21471; 1000 Genomes Project 0.21565; TOPMed 0.29801; gnomAD 0.30949; ESP Exome Variant Server 0.31812; ExAC 0.35772; gnomAD exomes 0.39438.
gnomAD v4.1: 615,847 of 1,595,124 alleles (39%); highest among the groups gnomAD compares: Middle Eastern, 51%; 128,016 homozygotes.

Submission:

PreventionGenetics, part of Exact Sciences
Classification: Benign for AGAP2-related condition. Last evaluated: 2019-10-17. Review status: no assertion criteria provided. Collection method: clinical testing. Allele origin: germline.
Comment: This variant is classified as benign based on ACMG/AMP sequence variant interpretation guidelines (Richards et al. 2015 PMID: 25741868, with internal and published modifications).